The following is an entry in ClinVar:

NM_024408.4(NOTCH2):c.2399C>T (p.Ala800Val)

Gene: NOTCH2 (notch receptor 2; minus strand). Cytogenetic location: 1p12.
Variant type: single nucleotide variant.
Coding change: c.2399C>T on transcript NM_024408.4 (MANE Select); coding-DNA position 2399, C replaced by T.
Protein change: p.Ala800Val; replaces alanine 800 with valine.
Molecular consequence: missense variant.
Genome position (GRCh38, 1-based): chr1:119,950,804, G>A on the plus strand (C>T on the coding strand, the complement: NOTCH2 is on the minus strand). VCF-style: chr1-119950804-G-A. GRCh37 (hg19) VCF-style: chr1-120493427-G-A.
Other names: c.2399C>T, p.Ala800Val (NM_001200001.2); short protein forms A800V.
Identifiers: ClinVar variation 2663571 (VCV002663571.1), dbSNP rs2526242669, ClinGen allele CA341862072.

ClinVar aggregate classification (germline): Uncertain significance (1 of 4 stars; one submission).

Submission:

GeneDx
Classification: Uncertain significance. Last evaluated: 2023-04-04. Review status: criteria provided, single submitter. Criteria: GeneDx Variant Classification Process June 2021. Collection method: clinical testing. Allele origin: germline. Affected: yes.
Comment: Not observed at significant frequency in large population cohorts (gnomAD); In silico analysis supports that this missense variant does not alter protein structure/function; Has not been previously published as pathogenic or benign to our knowledge